The following is an entry in ClinVar:

NM_006486.3(FBLN1):c.1698-9527G>T

Gene: FBLN1 (fibulin 1; plus strand). Cytogenetic location: 22q13.31.
Variant type: single nucleotide variant.
Coding change: c.1698-9527G>T on transcript NM_006486.3 (MANE Select); 9527 bases into the intron before coding-DNA position 1698, G replaced by T.
Molecular consequence: intron variant. On other transcripts: missense variant (1).
Genome position (GRCh38, 1-based): chr22:45,564,984, G>T. VCF-style: chr22-45564984-G-T. GRCh37 (hg19) VCF-style: chr22-45960864-G-T.
Other names: c.1798G>T, p.Asp600Tyr (NM_006485.4); c.1798G>T (NM_006485.3); short protein forms D600Y.
Identifiers: ClinVar variation 2653293 (VCV002653293.26), dbSNP rs112501521, ClinGen allele CA10287184.
Genomic context (GRCh38, chr22:45,564,984, plus strand): 5'-TCAAGTAAAGAGGACTGCAGGGTTCTTCCATGGAAGCAGGGGTTGGAGGATACCCACCTT[G>T]ATGCCTAGTGAGGAAGATGGACCTGGACAGACAGTCAGCTCCACACCTTGCGCTGAGCAG-3'

ClinVar aggregate classification (germline): Likely benign. Review status: criteria provided, multiple submitters, no conflicts (2 of 4 stars). 3 submissions from 3 submitters: Likely benign (2). 1 of the submissions does not count toward it. Last evaluated 2024-10-31.

Conditions:
FBLN1-related disorder. Also called: FBLN1-related condition.

Allele frequency attached by ClinVar (database versions not stated): gnomAD exomes 0.00071; ExAC 0.00135; ESP Exome Variant Server 0.00231; gnomAD 0.00233; TOPMed 0.00286; 1000 Genomes Project 0.00439; 1000 Genomes Project 30x 0.00453.
gnomAD v4.1: 1,462 of 1,613,890 alleles (0.091%); highest among the groups gnomAD compares: African/African-American, 0.7%; 12 homozygotes.

Submissions (3):

Blueprint Genetics
Classification: Likely benign. Last evaluated: 2024-10-31. Review status: criteria provided, single submitter. Criteria: ACMG Guidelines, 2015. Collection method: clinical testing. Allele origin: germline.

CeGaT Center for Human Genetics Tuebingen
Classification: Likely benign. Last evaluated: 2022-11-01. Review status: criteria provided, single submitter. Criteria: CeGaT Center For Human Genetics Tuebingen Variant Classification Criteria Version 2. Collection method: clinical testing. Allele origin: germline. Affected: yes. Observed: 1 variant allele.
Comment: FBLN1: BP4, BS2

PreventionGenetics, part of Exact Sciences
Classification: Benign for FBLN1-related condition. Last evaluated: 2019-05-22. Review status: no assertion criteria provided. Collection method: clinical testing. Allele origin: germline. Not counted in ClinVar's aggregate classification.
Comment: This variant is classified as benign based on ACMG/AMP sequence variant interpretation guidelines (Richards et al. 2015 PMID: 25741868, with internal and published modifications).